The following is an entry in ClinVar:

ClinVar aggregate classification (germline): Uncertain significance (1 of 4 stars; one submission).

Allele frequency attached by ClinVar (database versions not stated): ExAC 0.00001; gnomAD 0.00001; TOPMed 0.00003.
gnomAD v4.1: 36 of 1,613,896 alleles (0.0022%); highest among the groups gnomAD compares: Non-Finnish European, 0.0027%; no homozygotes.

Submission:

Labcorp Genetics (formerly Invitae), Labcorp
Classification: Uncertain significance. Last evaluated: 2023-10-13. Review status: criteria provided, single submitter. Criteria: Invitae Variant Classification Sherloc (09022015). Collection method: clinical testing. Allele origin: germline.
Comment: This sequence change replaces asparagine, which is neutral and polar, with serine, which is neutral and polar, at codon 457 of the SPTA1 protein (p.Asn457Ser). This variant is not present in population databases (gnomAD no frequency). This variant has not been reported in the literature in individuals affected with SPTA1-related conditions. ClinVar contains an entry for this variant (Variation ID: 1897855). Advanced modeling of protein sequence and biophysical properties (such as structural, functional, and spatial information, amino acid conservation, physicochemical variation, residue mobility, and thermodynamic stability) performed at Invitae indicates that this missense variant is not expected to disrupt SPTA1 protein function. In summary, the available evidence is currently insufficient to determine the role of this variant in disease. Therefore, it has been classified as a Variant of Uncertain Significance.

NM_003126.4(SPTA1):c.1370A>G (p.Asn457Ser)

Gene: SPTA1 (spectrin alpha, erythrocytic 1; minus strand). Cytogenetic location: 1q23.1.
Variant type: single nucleotide variant.
Coding change: c.1370A>G on transcript NM_003126.4 (MANE Select); coding-DNA position 1370, A replaced by G.
Protein change: p.Asn457Ser; replaces asparagine 457 with serine.
Molecular consequence: missense variant.
Genome position (GRCh38, 1-based): chr1:158,672,177, T>C on the plus strand (A>G on the coding strand, the complement: SPTA1 is on the minus strand). VCF-style: chr1-158672177-T-C. GRCh37 (hg19) VCF-style: chr1-158641967-T-C.
Other names: short protein forms N457S.
Identifiers: ClinVar variation 1897855 (VCV001897855.5), dbSNP rs781599696, ClinGen allele CA1183792.